The following is an entry in ClinVar:

NM_033305.3(VPS13A):c.6978_6981dup (p.Ala2328fs)

Gene: VPS13A (vacuolar protein sorting 13 homolog A; plus strand). Cytogenetic location: 9q21.2.
Variant type: Duplication.
Coding change: c.6978_6981dup on transcript NM_033305.3 (MANE Select); coding-DNA positions 6978 to 6981, 4 bases duplicated (AGTG; older notation c.6978_6981dupAGTG).
Protein change: p.Ala2328fs; shifts the reading frame from alanine 2328.
Molecular consequence: frameshift variant.
Genome position (GRCh38, 1-based): chr9:77,340,502-77,340,505, AGTG duplicated. VCF-style (leftmost placement, unchanged base first): chr9-77340501-C-CAGTG. GRCh37 (hg19) VCF-style: chr9-79955417-C-CAGTG.
Other names: c.6861_6864dup, p.Ala2289fs (NM_001018037.2); c.6978_6981dup, p.Ala2328fs (NM_001018038.3, NM_015186.4); short protein forms A2328fs, A2289fs.
Identifiers: ClinVar variation 2089231 (VCV002089231.4), dbSNP rs2538080390, ClinGen allele CA2580080604.

ClinVar aggregate classification (germline): Pathogenic (1 of 4 stars; one submission).

Submission:

Labcorp Genetics (formerly Invitae), Labcorp
Classification: Pathogenic. Last evaluated: 2022-01-23. Review status: criteria provided, single submitter. Criteria: Invitae Variant Classification Sherloc (09022015). Collection method: clinical testing. Allele origin: germline.
Comment: For these reasons, this variant has been classified as Pathogenic. This variant has not been reported in the literature in individuals affected with VPS13A-related conditions. This variant is not present in population databases (gnomAD no frequency). This sequence change creates a premature translational stop signal (p.Ala2328Serfs*3) in the VPS13A gene. It is expected to result in an absent or disrupted protein product. Loss-of-function variants in VPS13A are known to be pathogenic (PMID: 12404112, 21598378).

Literature cited by the submitters: PubMed 12404112; PubMed 21598378.